The following is an entry in ClinVar:

ClinVar aggregate classification (germline): Uncertain significance (1 of 4 stars; one submission).

Submission:

CeGaT Center for Human Genetics Tuebingen
Classification: Uncertain significance. Last evaluated: 2025-07-01. Review status: criteria provided, single submitter. Criteria: CeGaT Center For Human Genetics Tuebingen Variant Classification Criteria Version 2. Collection method: clinical testing. Allele origin: germline. Affected: yes. Observed: 1 variant allele.
Comment: FBXW11: PM2

NM_001378974.1(FBXW11):c.437-1G>A

Gene: FBXW11 (F-box and WD repeat domain containing 11; minus strand). Cytogenetic location: 5q35.1.
Variant type: single nucleotide variant.
Coding change: c.437-1G>A on transcript NM_001378974.1 (MANE Select); the canonical splice acceptor site of the intron before coding-DNA position 437, G replaced by A.
Molecular consequence: splice acceptor variant. On other transcripts: intron variant (1).
Genome position (GRCh38, 1-based): chr5:171,900,101, C>T on the plus strand (G>A on the coding strand, the complement: FBXW11 is on the minus strand). VCF-style: chr5-171900101-C-T. GRCh37 (hg19) VCF-style: chr5-171327105-C-T.
Other names: c.272-1G>A (NM_001378980.1, NM_033645.3); c.335-1G>A (NM_033644.3); c.374-7G>A (NM_001378975.1); c.374-1G>A (NM_012300.3); c.278-1G>A (NM_001378977.1, NM_001378979.1, NM_001378978.1); c.341-1G>A (NM_001378976.1).
Identifiers: ClinVar variation 4085481 (VCV004085481.8).